The following is an entry in ClinVar:

ClinVar aggregate classification (germline): Uncertain significance (1 of 4 stars; one submission).

Conditions:
Alagille syndrome due to a JAG1 point mutation. Also called: HEPATIC DUCTULAR HYPOPLASIA, SYNDROMATIC; Alagille Syndrome 1; JAG1-Related Alagille Syndrome. Identifiers: Orphanet 261619, Orphanet 52, MedGen C1956125, MONDO:0016862, OMIM 118450.

Submission:

Labcorp Genetics (formerly Invitae), Labcorp
Classification: Uncertain significance for Alagille syndrome due to a JAG1 point mutation. Last evaluated: 2025-09-28. Review status: criteria provided, single submitter. Criteria: Invitae Variant Classification Sherloc (09022015). Collection method: clinical testing. Allele origin: germline.
Comment: This sequence change replaces tyrosine, which is neutral and polar, with cysteine, which is neutral and slightly polar, at codon 479 of the JAG1 protein (p.Tyr479Cys). This variant is not present in population databases (gnomAD no frequency). This variant has not been reported in the literature in individuals affected with JAG1-related conditions. Invitae Evidence Modeling of protein sequence and biophysical properties (such as structural, functional, and spatial information, amino acid conservation, physicochemical variation, residue mobility, and thermodynamic stability) indicates that this missense variant is not expected to disrupt JAG1 protein function with a negative predictive value of 80%. In summary, the available evidence is currently insufficient to determine the role of this variant in disease. Therefore, it has been classified as a Variant of Uncertain Significance.

NM_000214.3(JAG1):c.1436A>G (p.Tyr479Cys)

Gene: JAG1 (jagged canonical Notch ligand 1; minus strand). Cytogenetic location: 20p12.2.
Variant type: single nucleotide variant.
Coding change: c.1436A>G on transcript NM_000214.3 (MANE Select); coding-DNA position 1436, A replaced by G.
Protein change: p.Tyr479Cys; replaces tyrosine 479 with cysteine.
Molecular consequence: missense variant.
Genome position (GRCh38, 1-based): chr20:10,648,682, T>C on the plus strand (A>G on the coding strand, the complement: JAG1 is on the minus strand). VCF-style: chr20-10648682-T-C. GRCh37 (hg19) VCF-style: chr20-10629330-T-C.
Other names: short protein forms Y479C.
Identifiers: ClinVar variation 4810552 (VCV004810552.1).